The following is an entry in ClinVar:

NM_014727.3(KMT2B):c.6333G>T (p.Ser2111=)

Gene: KMT2B (lysine methyltransferase 2B; plus strand). Cytogenetic location: 19q13.12.
Variant type: single nucleotide variant.
Coding change: c.6333G>T on transcript NM_014727.3 (MANE Select); coding-DNA position 6333, G replaced by T.
Protein change: p.Ser2111=; no amino-acid change (serine 2111 retained).
Molecular consequence: synonymous variant.
Genome position (GRCh38, 1-based): chr19:35,732,882, G>T. VCF-style: chr19-35732882-G-T. GRCh37 (hg19) VCF-style: chr19-36223783-G-T.
Identifiers: ClinVar variation 4534842 (VCV004534842.6).

ClinVar aggregate classification (germline): Likely benign (1 of 4 stars; one submission).

Submission:

CeGaT Center for Human Genetics Tuebingen
Classification: Likely benign. Last evaluated: 2025-10-01. Review status: criteria provided, single submitter. Criteria: CeGaT Center For Human Genetics Tuebingen Variant Classification Criteria Version 2. Collection method: clinical testing. Allele origin: germline. Affected: yes. Observed: 1 variant allele.
Comment: KMT2B: PM2:Supporting, BP4, BP7